The following is an entry in ClinVar:

NM_000173.7(GP1BA):c.1005C>T (p.Asp335=)

Gene: GP1BA (glycoprotein Ib platelet subunit alpha; plus strand). Cytogenetic location: 17p13.2.
Variant type: single nucleotide variant.
Coding change: c.1005C>T on transcript NM_000173.7 (MANE Select); coding-DNA position 1005, C replaced by T.
Protein change: p.Asp335=; no amino-acid change (aspartic acid 335 retained).
Molecular consequence: synonymous variant.
Genome position (GRCh38, 1-based): chr17:4,933,609, C>T. VCF-style: chr17-4933609-C-T. GRCh37 (hg19) VCF-style: chr17-4836904-C-T.
Identifiers: ClinVar variation 3032059 (VCV003032059.2), dbSNP rs1861321477, ClinGen allele CA497678376.

ClinVar aggregate classification (germline): Likely benign (0 of 4 stars; one submission).

Conditions:
GP1BA-related disorder. Also called: GP1BA-related condition.

Allele frequency attached by ClinVar (database versions not stated): gnomAD exomes below 0.00001.

Submission:

PreventionGenetics, part of Exact Sciences
Classification: Likely benign for GP1BA-related condition. Last evaluated: 2020-09-23. Review status: no assertion criteria provided. Collection method: clinical testing. Allele origin: germline.
Comment: This variant is classified as likely benign based on ACMG/AMP sequence variant interpretation guidelines (Richards et al. 2015 PMID: 25741868, with internal and published modifications).